The following is an entry in ClinVar:

ClinVar aggregate classification (germline): Uncertain significance. Review status: criteria provided, multiple submitters, no conflicts (2 of 4 stars). 2 submissions from 2 submitters: Uncertain significance (2). Last evaluated 2023-07-10.

Conditions:
Dilated cardiomyopathy 1KK (CMD1KK). Identifiers: Orphanet 154, Orphanet 75249, MedGen C3714995, MONDO:0014100, OMIM 615248.

Allele frequency attached by ClinVar (database versions not stated): ExAC 0.00001; gnomAD exomes 0.00001; TOPMed 0.00001.

Submissions (2):

Labcorp Genetics (formerly Invitae), Labcorp
Classification: Uncertain significance for Dilated cardiomyopathy 1KK. Last evaluated: 2023-07-10. Review status: criteria provided, single submitter. Criteria: Invitae Variant Classification Sherloc (09022015). Collection method: clinical testing. Allele origin: germline.
Comment: In summary, the available evidence is currently insufficient to determine the role of this variant in disease. Therefore, it has been classified as a Variant of Uncertain Significance. An algorithm developed to predict the effect of missense changes on protein structure and function (PolyPhen-2) suggests that this variant is likely to be disruptive. ClinVar contains an entry for this variant (Variation ID: 1187823). This variant has not been reported in the literature in individuals affected with MYPN-related conditions. This variant is present in population databases (rs753787957, gnomAD 0.002%). This sequence change replaces arginine, which is basic and polar, with cysteine, which is neutral and slightly polar, at codon 1283 of the MYPN protein (p.Arg1283Cys).

GeneDx
Classification: Uncertain significance. Last evaluated: 2023-03-01. Review status: criteria provided, single submitter. Criteria: GeneDx Variant Classification Process June 2021. Collection method: clinical testing. Allele origin: germline. Affected: yes.
Comment: Has not been previously published as pathogenic or benign to our knowledge; Not observed at significant frequency in large population cohorts (gnomAD); In silico analysis supports that this missense variant has a deleterious effect on protein structure/function

NM_032578.4(MYPN):c.3847C>T (p.Arg1283Cys)

Gene: MYPN (myopalladin; plus strand). Cytogenetic location: 10q21.3.
Variant type: single nucleotide variant.
Coding change: c.3847C>T on transcript NM_032578.4 (MANE Select); coding-DNA position 3847, C replaced by T.
Protein change: p.Arg1283Cys; replaces arginine 1283 with cysteine.
Molecular consequence: missense variant. On other transcripts: non-coding transcript variant (2).
Genome position (GRCh38, 1-based): chr10:68,210,339, C>T. VCF-style: chr10-68210339-C-T. GRCh37 (hg19) VCF-style: chr10-69970096-C-T.
Other names: c.3847C>T, p.Arg1283Cys (NM_001256267.2); c.2965C>T, p.Arg989Cys (NM_001256268.2); short protein forms R1283C, R989C.
Identifiers: ClinVar variation 1187823 (VCV001187823.8), dbSNP rs753787957, ClinGen allele CA5523176.
Genomic context (GRCh38, chr10:68,210,339, plus strand): 5'-TTTCCAGCTCAGTGGCACCATCAGATCCCACCGCCCATGTCTGTCCGGCCCAGTGGCAGT[C>T]GCTACGGATCTCTCACCAGTAAAGGACTTGACATATTTTCTGCCTTTTCCTCCATGGAAA-3'
Protein context (NP_115967.2, residues 1273-1293): PPMSVRPSGS[Arg1283Cys]YGSLTSKGLD